The following is an entry in ClinVar:

ClinVar aggregate classification (germline): Conflicting classifications of pathogenicity. Review status: criteria provided, conflicting classifications (1 of 4 stars). 2 submissions from 2 submitters: Pathogenic (1); Uncertain significance (1). Last evaluated 2024-06-21.

Conditions:
Very long chain acyl-CoA dehydrogenase deficiency (ACADVLD). Also called: Very Long-Chain Acyl-Coenzyme A Dehydrogenase Deficiency; VLCAD Deficiency. Identifiers: Orphanet 26793, MedGen C3887523, MONDO:0008723, OMIM 201475.

Submissions (2):

Labcorp Genetics (formerly Invitae), Labcorp
Classification: Pathogenic for Very long chain acyl-CoA dehydrogenase deficiency. Last evaluated: 2024-06-21. Review status: criteria provided, single submitter. Criteria: Invitae Variant Classification Sherloc (09022015). Collection method: clinical testing. Allele origin: germline.
Comment: This variant, c.404_412del, results in the deletion of 3 amino acid(s) of the ACADVL protein (p.Gly135_Lys137del), but otherwise preserves the integrity of the reading frame. This variant is not present in population databases (gnomAD no frequency). This variant has not been reported in the literature in individuals affected with ACADVL-related conditions. ClinVar contains an entry for this variant (Variation ID: 932854). This variant disrupts a region of the ACADVL protein in which other variant(s) (p.Leu136Phe) have been determined to be pathogenic (Invitae). This suggests that this is a clinically significant region of the protein, and that variants that disrupt it are likely to be disease-causing. For these reasons, this variant has been classified as Pathogenic.

Wong Mito Lab, Molecular and Human Genetics, Baylor College of Medicine
Classification: Uncertain significance for Very long chain acyl-CoA dehydrogenase deficiency. Last evaluated: 2019-11-01. Review status: criteria provided, single submitter. Criteria: ACMG Guidelines, 2015. Collection method: clinical testing. Allele origin: germline.
Comment: The NM_000018.3:c.404_412delGCCTCAAGG (NP_000009.1:p.Gly135_Lys137del) [GRCH38: NC_000017.11:g.7220985_7220993del] variant in ACADVL gene is interpretated to be Uncertain Significance based on ACMG guidelines (PMID: 25741868). This variant has been reported. This variant meets the following evidence codes reported in the ACMG guidelines: PM1

NM_000018.4(ACADVL):c.404_412del (p.Gly135_Lys137del)

Gene: ACADVL (acyl-CoA dehydrogenase very long chain; plus strand). Cytogenetic location: 17p13.1.
Variant type: Deletion.
Coding change: c.404_412del on transcript NM_000018.4 (MANE Select); coding-DNA positions 404 to 412, 9 bases deleted (GCCTCAAGG; older notation c.404_412delGCCTCAAGG).
Protein change: p.Gly135_Lys137del.
Molecular consequence: inframe deletion.
Genome position (GRCh38, 1-based): chr17:7,220,985-7,220,993, GCCTCAAGG deleted; deleting any 9 consecutive bases within chr17:7,220,982-7,220,993 gives the same sequence; the c. name uses the placement nearest the transcript's 3' end. VCF-style (leftmost placement, unchanged base first): chr17-7220981-CAGGGCCTCA-C. GRCh37 (hg19) VCF-style: chr17-7124300-CAGGGCCTCA-C.
Other names: c.338_346del, p.Gly113_Lys115del (NM_001033859.3); c.473_481del, p.Gly158_Lys160del (NM_001270447.2); c.176_184del, p.Gly59_Lys61del (NM_001270448.2).
Identifiers: ClinVar variation 932854 (VCV000932854.4), dbSNP rs2071184523, ClinGen allele CA1139665137.
Genomic context (GRCh38, chr17:7,220,981, plus strand): 5'-CAGGAAGTGAACGATCCCGCCAAGAATGACGCTCTGGAGATGGTGGAGGAGACCACTTGG[CAGGGCCTCA>C]AGGAGCTGGGGGCCTTTGGTCTGCAAGTGCCCAGTGAGCTGGGTGGTGTGGGCCTTTGCA-3'